The following is an entry in ClinVar:

NM_001371986.1(UNC80):c.691G>A (p.Ala231Thr)

Gene: UNC80 (unc-80 subunit of NALCN channel complex; plus strand). Cytogenetic location: 2q34.
Variant type: single nucleotide variant.
Coding change: c.691G>A on transcript NM_001371986.1 (MANE Select); coding-DNA position 691, G replaced by A.
Protein change: p.Ala231Thr; replaces alanine 231 with threonine.
Molecular consequence: missense variant.
Genome position (GRCh38, 1-based): chr2:209,786,156, G>A. VCF-style: chr2-209786156-G-A. GRCh37 (hg19) VCF-style: chr2-210650880-G-A.
Other names: c.691G>A, p.Ala231Thr (NM_032504.2, NM_182587.4); short protein forms A231T.
Identifiers: ClinVar variation 594021 (VCV000594021.13), dbSNP rs144011305, ClinGen allele CA2082808.

ClinVar aggregate classification (germline): Conflicting classifications of pathogenicity. Review status: criteria provided, conflicting classifications (1 of 4 stars). 4 submissions from 4 submitters: Uncertain significance (3); Likely benign (1). Last evaluated 2025-12-30.

Conditions:
Inborn genetic diseases. Identifiers: MedGen C0950123, MeSH D030342.

Allele frequency attached by ClinVar (database versions not stated): gnomAD exomes 0.00006; ExAC 0.00009; 1000 Genomes Project 30x 0.00016; 1000 Genomes Project 0.00020; ESP Exome Variant Server 0.00023; gnomAD 0.00025 and 0.00028; TOPMed 0.00026.
gnomAD v4.1: 106 of 1,613,900 alleles (0.0066%); highest among the groups gnomAD compares: African/African-American, 0.087%; 1 homozygote.

Submissions (4):

Labcorp Genetics (formerly Invitae), Labcorp
Classification: Likely benign. Last evaluated: 2025-12-30. Review status: criteria provided, single submitter. Criteria: Invitae Variant Classification Sherloc (09022015). Collection method: clinical testing. Allele origin: germline.

Ambry Genetics
Classification: Uncertain significance for Inborn genetic diseases. Last evaluated: 2022-01-19. Review status: criteria provided, single submitter. Criteria: Ambry Variant Classification Scheme 2023. Collection method: clinical testing. Allele origin: germline.

GeneDx
Classification: Uncertain significance. Last evaluated: 2019-09-06. Review status: criteria provided, single submitter. Criteria: GeneDx Variant Classification Process June 2021. Collection method: clinical testing. Allele origin: germline. Affected: yes.
Comment: In silico analysis, which includes protein predictors and evolutionary conservation, supports that this variant does not alter protein structure/function; Has not been previously published as pathogenic or benign to our knowledge

Eurofins Ntd Llc (ga)
Classification: Uncertain significance. Last evaluated: 2017-09-07. Review status: criteria provided, single submitter. Criteria: EGL Classification Definitions 2015. Collection method: clinical testing. Allele origin: germline. Observed: 1 variant allele, 1 heterozygote.